The following is an entry in ClinVar:

ClinVar aggregate classification (germline): Likely pathogenic (1 of 4 stars; one submission).

Submission:

Labcorp Genetics (formerly Invitae), Labcorp
Classification: Likely pathogenic. Last evaluated: 2025-04-03. Review status: criteria provided, single submitter. Criteria: Invitae Variant Classification Sherloc (09022015). Collection method: clinical testing. Allele origin: germline.
Comment: This sequence change replaces tyrosine, which is neutral and polar, with serine, which is neutral and polar, at codon 154 of the SERPING1 protein (p.Tyr154Ser). This variant is not present in population databases (gnomAD no frequency). This missense change has been observed in individuals with angioedema (PMID: 23123409; internal data). ClinVar contains an entry for this variant (Variation ID: 2735607). Invitae Evidence Modeling of protein sequence and biophysical properties (such as structural, functional, and spatial information, amino acid conservation, physicochemical variation, residue mobility, and thermodynamic stability) indicates that this missense variant is expected to disrupt SERPING1 protein function with a positive predictive value of 80%. This variant disrupts the p.Tyr154 amino acid residue in SERPING1. Other variant(s) that disrupt this residue have been observed in individuals with SERPING1-related conditions (PMID: 21864911, 23123409; internal data), which suggests that this may be a clinically significant amino acid residue. In summary, the currently available evidence indicates that the variant is pathogenic, but additional data are needed to prove that conclusively. Therefore, this variant has been classified as Likely Pathogenic.

Literature cited by the submitters: PubMed 23123409; PubMed 21864911.

NM_000062.3(SERPING1):c.461A>C (p.Tyr154Ser)

Gene: SERPING1 (serpin family G member 1; plus strand). Cytogenetic location: 11q12.1.
Variant type: single nucleotide variant.
Coding change: c.461A>C on transcript NM_000062.3 (MANE Select); coding-DNA position 461, A replaced by C.
Protein change: p.Tyr154Ser; replaces tyrosine 154 with serine.
Molecular consequence: missense variant.
Genome position (GRCh38, 1-based): chr11:57,600,288, A>C. VCF-style: chr11-57600288-A-C. GRCh37 (hg19) VCF-style: chr11-57367761-A-C.
Other names: c.461A>C, p.Tyr154Ser (NM_001032295.2); short protein forms Y154S.
Identifiers: ClinVar variation 2735607 (VCV002735607.3), dbSNP rs281875168, ClinGen allele CA380695414.